The following is an entry in ClinVar:

ClinVar aggregate classification (germline): Uncertain significance. Review status: criteria provided, multiple submitters, no conflicts (2 of 4 stars). 2 submissions from 2 submitters: Uncertain significance (2). Last evaluated 2025-01-28.

Conditions:
Multiple gastrointestinal atresias. Also called: FAMILIAL INTESTINAL POLYATRESIA SYNDROME; Multiple intestinal atresia. Identifiers: Orphanet 2300, MedGen C0220744, MONDO:0009465.
Inborn genetic diseases. Identifiers: MedGen C0950123, MeSH D030342.

Allele frequency attached by ClinVar (database versions not stated): TOPMed 0.00045.
gnomAD v4.1: 1,098 of 1,614,052 alleles (0.068%); highest among the groups gnomAD compares: Non-Finnish European, 0.084%; 1 homozygote.

Submissions (2):

Labcorp Genetics (formerly Invitae), Labcorp
Classification: Uncertain significance for Multiple gastrointestinal atresias. Last evaluated: 2025-01-28. Review status: criteria provided, single submitter. Criteria: Invitae Variant Classification Sherloc (09022015). Collection method: clinical testing. Allele origin: germline.
Comment: This sequence change replaces isoleucine, which is neutral and non-polar, with methionine, which is neutral and non-polar, at codon 342 of the TTC7A protein (p.Ile342Met). This variant is present in population databases (rs151317740, gnomAD 0.06%). This variant has not been reported in the literature in individuals affected with TTC7A-related conditions. ClinVar contains an entry for this variant (Variation ID: 528462). Invitae Evidence Modeling of protein sequence and biophysical properties (such as structural, functional, and spatial information, amino acid conservation, physicochemical variation, residue mobility, and thermodynamic stability) indicates that this missense variant is not expected to disrupt TTC7A protein function with a negative predictive value of 80%. In summary, the available evidence is currently insufficient to determine the role of this variant in disease. Therefore, it has been classified as a Variant of Uncertain Significance.

Ambry Genetics
Classification: Uncertain significance for Inborn genetic diseases. Last evaluated: 2024-01-31. Review status: criteria provided, single submitter. Criteria: Ambry Variant Classification Scheme 2023. Collection method: clinical testing. Allele origin: germline.

NM_020458.4(TTC7A):c.1026C>G (p.Ile342Met)

Gene: TTC7A (tetratricopeptide repeat domain 7A; plus strand). Cytogenetic location: 2p21.
Variant type: single nucleotide variant.
Coding change: c.1026C>G on transcript NM_020458.4 (MANE Select); coding-DNA position 1026, C replaced by G.
Protein change: p.Ile342Met; replaces isoleucine 342 with methionine.
Molecular consequence: missense variant. On other transcripts: 5 prime UTR variant (1).
Genome position (GRCh38, 1-based): chr2:46,995,160, C>G. VCF-style: chr2-46995160-C-G. GRCh37 (hg19) VCF-style: chr2-47222299-C-G.
Other names: c.1026C>G, p.Ile342Met (LRG_1323t1, NM_001288951.2); c.924C>G, p.Ile308Met (NM_001288953.2); c.-37C>G (NM_001288955.2); c.1026C>G (NM_020458.2); short protein forms I308M, I342M.
Identifiers: ClinVar variation 528462 (VCV000528462.9), dbSNP rs151317740, ClinGen allele CA1647456.